The following is an entry in ClinVar:

NM_001018115.3(FANCD2):c.2376G>C (p.Trp792Cys)

Genes: FANCD2 (FA complementation group D2; plus strand), LOC107303338 (3p25 FANCD2 Alu-mediated recombination region; plus strand). Cytogenetic location: 3p25.3.
Variant type: single nucleotide variant.
Coding change: c.2376G>C on transcript NM_001018115.3 (MANE Select); coding-DNA position 2376, G replaced by C.
Protein change: p.Trp792Cys; replaces tryptophan 792 with cysteine.
Molecular consequence: missense variant.
Genome position (GRCh38, 1-based): chr3:10,065,970, G>C. VCF-style: chr3-10065970-G-C. GRCh37 (hg19) VCF-style: chr3-10107654-G-C.
Other names: c.2376G>C, p.Trp792Cys (NM_001319984.2, NM_001374254.1, NM_033084.6); c.2265G>C, p.Trp755Cys (NM_001374253.1); short protein forms W792C, W755C.
Identifiers: ClinVar variation 653682 (VCV000653682.6), dbSNP rs752013429, ClinGen allele CA2250050.

ClinVar aggregate classification (germline): Uncertain significance (1 of 4 stars; one submission).

Conditions:
Fanconi anemia (FA). Also called: Fanconi's anemia. Identifiers: Orphanet 84, MedGen C0015625, MeSH D005199, MONDO:0019391.

Allele frequency attached by ClinVar (database versions not stated): ExAC 0.00001; gnomAD 0.00001; gnomAD exomes 0.00001; TOPMed 0.00002.
gnomAD v4.1: 6 of 1,592,452 alleles (0.00038%); highest among the groups gnomAD compares: East Asian, 0.011%; no homozygotes.

Submission:

Labcorp Genetics (formerly Invitae), Labcorp
Classification: Uncertain significance for Fanconi anemia. Last evaluated: 2025-07-21. Review status: criteria provided, single submitter. Criteria: Invitae Variant Classification Sherloc (09022015). Collection method: clinical testing. Allele origin: germline.
Comment: This sequence change replaces tryptophan, which is neutral and slightly polar, with cysteine, which is neutral and slightly polar, at codon 792 of the FANCD2 protein (p.Trp792Cys). This variant is present in population databases (rs752013429, gnomAD 0.006%). This variant has not been reported in the literature in individuals affected with FANCD2-related conditions. ClinVar contains an entry for this variant (Variation ID: 653682). Invitae Evidence Modeling of protein sequence and biophysical properties (such as structural, functional, and spatial information, amino acid conservation, physicochemical variation, residue mobility, and thermodynamic stability) indicates that this missense variant is expected to disrupt FANCD2 protein function with a positive predictive value of 80%. In summary, the available evidence is currently insufficient to determine the role of this variant in disease. Therefore, it has been classified as a Variant of Uncertain Significance.